The following is an entry in ClinVar:

ClinVar aggregate classification (germline): Conflicting classifications of pathogenicity. Review status: criteria provided, conflicting classifications (1 of 4 stars). 2 submissions from 2 submitters: Uncertain significance (1); Likely benign (1). Last evaluated 2023-03-23.

Conditions:
Hereditary cancer-predisposing syndrome. Also called: Neoplastic Syndromes, Hereditary; Tumor predisposition; Hereditary Cancer Syndrome; Hereditary neoplastic syndrome. Identifiers: Orphanet 140162, MedGen C0027672, MeSH D009386, MONDO:0015356.

Submissions (2):

University of Washington Department of Laboratory Medicine, University of Washington
Classification: Likely benign for Hereditary cancer-predisposing syndrome. Last evaluated: 2023-03-23. Review status: criteria provided, single submitter. Criteria: Dines et al. (Genet Med. 2020). Collection method: curation. Allele origin: germline.
Comment: Missense variant in a coldspot region where missense variants are very unlikely to be pathogenic (PMID:31911673).

BRCA1 coldspot (exon 11 using historical exon numbering). Reclassification based on statistical prior probability

Color Diagnostics, LLC DBA Color Health
Classification: Uncertain significance for Hereditary cancer-predisposing syndrome. Last evaluated: 2019-09-19. Review status: criteria provided, single submitter. Criteria: ACMG Guidelines, 2015. Collection method: clinical testing. Allele origin: germline.
Comment: This missense variant replaces asparagine with threonine at codon 567 of the BRCA1 protein. Computational prediction tool suggests that this variant may not impact protein structure and function (internally defined REVEL score threshold ≤0.5, PMID: 27666373). Splice site prediction tools suggest that this variant may not impact RNA splicing. To our knowledge, functional studies have not been performed for this variant. This variant has not been reported in individuals affected with hereditary cancer in the literature. This variant has not been identified in the general population by the Genome Aggregation Database (gnomAD). The available evidence is insufficient to determine the role of this variant in disease conclusively. Therefore, this variant is classified as a Variant of Uncertain Significance.

NM_007294.4(BRCA1):c.1700A>C (p.Asn567Thr)

Gene: BRCA1 (BRCA1 DNA repair associated; minus strand). Cytogenetic location: 17q21.31.
Variant type: single nucleotide variant.
Coding change: c.1700A>C on transcript NM_007294.4 (MANE Select); coding-DNA position 1700, A replaced by C.
Protein change: p.Asn567Thr; replaces asparagine 567 with threonine.
Molecular consequence: missense variant. On other transcripts: intron variant (137).
Genome position (GRCh38, 1-based): chr17:43,093,831, T>G on the plus strand (A>C on the coding strand, the complement: BRCA1 is on the minus strand). VCF-style: chr17-43093831-T-G. GRCh37 (hg19) VCF-style: chr17-41245848-T-G.
Other names: c.812A>C, p.Asn271Thr (NM_001407967.1, NM_001407966.1); c.1700A>C, p.Asn567Thr (NM_007300.4, NM_001407854.1, NM_001407858.1 and 30 more transcripts); c.646+913A>C (NM_001408458.1, NM_001408469.1, NM_001408453.1 and 11 more transcripts); c.1559A>C, p.Asn520Thr (NM_007297.4, NM_001407738.1, NM_001407739.1 and 29 more transcripts); c.283+913A>C (NM_001408512.1); c.406+913A>C (NM_001408510.1); c.643+913A>C (NM_001408470.1, NM_001408464.1, NM_001408468.1 and 3 more transcripts); c.523+913A>C (NM_001408498.1, NM_001408501.1, NM_001408500.1 and 3 more transcripts); and 40 more; short protein forms N567T, N520T, N478T, N496T, N439T, N479T, N519T, N525T.
Identifiers: ClinVar variation 924368 (VCV000924368.6), dbSNP rs2053898401, ClinGen allele CA10598626.